The following is an entry in ClinVar:

NM_194277.3(FRMD7):c.1715C>T (p.Pro572Leu)

Gene: FRMD7 (FERM domain containing 7; minus strand). Cytogenetic location: Xq26.2.
Variant type: single nucleotide variant.
Coding change: c.1715C>T on transcript NM_194277.3 (MANE Select); coding-DNA position 1715, C replaced by T.
Protein change: p.Pro572Leu; replaces proline 572 with leucine.
Molecular consequence: missense variant.
Genome position (GRCh38, 1-based): chrX:132,078,302, G>A on the plus strand (C>T on the coding strand, the complement: FRMD7 is on the minus strand). VCF-style: chrX-132078302-G-A. GRCh37 (hg19) VCF-style: chrX-131212330-G-A.
Other names: c.1670C>T, p.Pro557Leu (NM_001306193.2); short protein forms P557L, P572L.
Identifiers: ClinVar variation 2103051 (VCV002103051.4), dbSNP rs781502273, ClinGen allele CA414678456.
Genomic context (GRCh38, chrX:132,078,302, plus strand): 5'-CTCTGGGACCTTTTAGGGGTTTGCTCTTGAATGTTACATACAAATGCATCTTCCAAATTT[G>A]GGTCTTCCTCTTCTAGACCTACATTGATGTTGCTCCTACCGCTAGTCCTGGCTATAGCTT-3'
Protein context (NP_919253.1, residues 562-582): NINVGLEEED[Pro572Leu]NLEDAFVCNI

ClinVar aggregate classification (germline): Uncertain significance (1 of 4 stars; one submission).

Submission:

Labcorp Genetics (formerly Invitae), Labcorp
Classification: Uncertain significance. Last evaluated: 2023-07-07. Review status: criteria provided, single submitter. Criteria: Invitae Variant Classification Sherloc (09022015). Collection method: clinical testing. Allele origin: germline.
Comment: An algorithm developed to predict the effect of missense changes on protein structure and function (PolyPhen-2) suggests that this variant is likely to be tolerated. In summary, the available evidence is currently insufficient to determine the role of this variant in disease. Therefore, it has been classified as a Variant of Uncertain Significance. ClinVar contains an entry for this variant (Variation ID: 2103051). This variant has not been reported in the literature in individuals affected with FRMD7-related conditions. This variant is not present in population databases (gnomAD no frequency). This sequence change replaces proline, which is neutral and non-polar, with leucine, which is neutral and non-polar, at codon 572 of the FRMD7 protein (p.Pro572Leu).